The following is an entry in ClinVar:

ClinVar aggregate classification (germline): Pathogenic (1 of 4 stars; one submission).

Conditions:
Citrullinemia. Identifiers: Orphanet 187, MedGen C0175683, MONDO:0015991.

Submission:

Labcorp Genetics (formerly Invitae), Labcorp
Classification: Pathogenic for Citrullinemia. Last evaluated: 2026-01-19. Review status: criteria provided, single submitter. Criteria: Invitae Variant Classification Sherloc (09022015). Collection method: clinical testing. Allele origin: germline.
Comment: This variant, c.285_286delinsTT, is a complex sequence change that results in the deletion of 2 and insertion of 2 amino acid(s) in the ASS1 protein (p.Arg95_Pro96delinsSerSer). Information on the frequency of this variant in the gnomAD database is not available, as this variant may be reported differently in the database. This variant has been observed in individual(s) with citrullinemia type I (PMID: 12815590). ClinVar contains an entry for this variant (Variation ID: 2136822). Algorithms developed to predict the effect of variants on gene product structure and function are not available or were not evaluated for this variant. Experimental studies have shown that this variant affects ASS1 function (PMID: 27287393). This variant disrupts a region of the ASS1 protein in which other variant(s) (p.Pro96Leu) have been determined to be pathogenic (PMID: 21227727, 27287393, 33190319, 36680390). This suggests that this is a clinically significant region of the protein, and that variants that disrupt it are likely to be disease-causing. For these reasons, this variant has been classified as Pathogenic.

Literature cited by the submitters: PubMed 12815590; PubMed 27287393; PubMed 21227727; PubMed 33190319; PubMed 36680390.

NM_054012.4(ASS1):c.285_286delinsTT (p.Arg95_Pro96delinsSerSer)

Gene: ASS1 (argininosuccinate synthase 1; plus strand). Cytogenetic location: 9q34.11.
Variant type: Indel.
Coding change: c.285_286delinsTT on transcript NM_054012.4 (MANE Select); coding-DNA positions 285 to 286, GC replaced by TT.
Protein change: p.Arg95_Pro96delinsSerSer.
Molecular consequence: missense variant.
Genome position (GRCh38, 1-based): chr9:130,458,511-130,458,512, GC replaced by TT. VCF-style: chr9-130458511-GC-TT. GRCh37 (hg19) VCF-style: chr9-133333898-GC-TT.
Other names: c.285_286delinsTT, p.Arg95_Pro96delinsSerSer (NM_000050.4).
Identifiers: ClinVar variation 2136822 (VCV002136822.4), dbSNP rs2490531703, ClinGen allele CA2580079803.